The following is an entry in ClinVar:

ClinVar aggregate classification (germline): Uncertain significance (1 of 4 stars; one submission).

Allele frequency attached by ClinVar (database versions not stated): gnomAD exomes below 0.00001; ExAC 0.00001.
gnomAD v4.1: 4 of 1,614,016 alleles (0.00025%); highest among the groups gnomAD compares: Admixed American, 0.0017%; no homozygotes.

Submission:

Labcorp Genetics (formerly Invitae), Labcorp
Classification: Uncertain significance. Last evaluated: 2022-04-19. Review status: criteria provided, single submitter. Criteria: Invitae Variant Classification Sherloc (09022015). Collection method: clinical testing. Allele origin: germline.
Comment: Algorithms developed to predict the effect of missense changes on protein structure and function (SIFT, PolyPhen-2, Align-GVGD) all suggest that this variant is likely to be disruptive. In summary, the available evidence is currently insufficient to determine the role of this variant in disease. Therefore, it has been classified as a Variant of Uncertain Significance. This sequence change replaces arginine, which is basic and polar, with glutamine, which is neutral and polar, at codon 148 of the ICK protein (p.Arg148Gln). This variant is present in population databases (rs778947062, gnomAD 0.003%). This variant has not been reported in the literature in individuals affected with ICK-related conditions.

NM_014920.5(CILK1):c.443G>A (p.Arg148Gln)

Gene: CILK1 (ciliogenesis associated kinase 1; minus strand). Cytogenetic location: 6p12.1.
Variant type: single nucleotide variant.
Coding change: c.443G>A on transcript NM_014920.5 (MANE Select); coding-DNA position 443, G replaced by A.
Protein change: p.Arg148Gln; replaces arginine 148 with glutamine.
Molecular consequence: missense variant. On other transcripts: non-coding transcript variant (1).
Genome position (GRCh38, 1-based): chr6:53,019,275, C>T on the plus strand (G>A on the coding strand, the complement: CILK1 is on the minus strand). VCF-style: chr6-53019275-C-T. GRCh37 (hg19) VCF-style: chr6-52884073-C-T.
Other names: c.443G>A, p.Arg148Gln (NM_001375397.1, NM_001375398.1, NM_001375399.1 and 4 more transcripts); short protein forms R148Q.
Identifiers: ClinVar variation 1958945 (VCV001958945.5), dbSNP rs778947062, ClinGen allele CA3858794.